The following is an entry in ClinVar:

ClinVar aggregate classification (germline): Uncertain significance. Review status: criteria provided, multiple submitters, no conflicts (2 of 4 stars). 9 submissions from 9 submitters: Uncertain significance (8). 1 of the submissions does not count toward it. Last evaluated 2024-11-21.

Conditions:
Sarcoglycanopathy. Identifiers: Orphanet 207052, MedGen C2936331, MONDO:0016140.
Autosomal recessive limb-girdle muscular dystrophy type 2C (LGMDR5). Also called: MUSCULAR DYSTROPHY, LIMB-GIRDLE, AUTOSOMAL RECESSIVE 5; MUSCULAR DYSTROPHY, DUCHENNE-LIKE. Identifiers: Orphanet 353, MedGen C0410173, MONDO:0009677, OMIM 253700. Disease mechanism: Affects gamma-sarcoglycan and also disrupts the integrity of the entire sarcoglycan complex..

Allele frequency attached by ClinVar (database versions not stated): TOPMed 0.00007; gnomAD 0.00010 and 0.00011; ExAC 0.00017; gnomAD exomes 0.00018; ESP Exome Variant Server 0.00023.
gnomAD v4.1: 284 of 1,611,300 alleles (0.018%); highest among the groups gnomAD compares: Non-Finnish European, 0.019%; no homozygotes.

Submissions (9):

Labcorp Genetics (formerly Invitae), Labcorp
Classification: Uncertain significance for Autosomal recessive limb-girdle muscular dystrophy type 2C. Last evaluated: 2024-11-21. Review status: criteria provided, single submitter. Criteria: Invitae Variant Classification Sherloc (09022015). Collection method: clinical testing. Allele origin: germline.
Comment: This sequence change replaces isoleucine, which is neutral and non-polar, with threonine, which is neutral and polar, at codon 218 of the SGCG protein (p.Ile218Thr). This variant is present in population databases (rs202045534, gnomAD 0.2%). This variant has not been reported in the literature in individuals affected with SGCG-related conditions. ClinVar contains an entry for this variant (Variation ID: 548510). Invitae Evidence Modeling of protein sequence and biophysical properties (such as structural, functional, and spatial information, amino acid conservation, physicochemical variation, residue mobility, and thermodynamic stability) indicates that this missense variant is not expected to disrupt SGCG protein function with a negative predictive value of 80%. In summary, the available evidence is currently insufficient to determine the role of this variant in disease. Therefore, it has been classified as a Variant of Uncertain Significance.

Blueprint Genetics
Classification: Uncertain significance. Last evaluated: 2024-11-19. Review status: criteria provided, single submitter. Criteria: ACMG Guidelines, 2015. Collection method: clinical testing. Allele origin: germline.

Revvity Omics, Revvity
Classification: Uncertain significance for Autosomal recessive limb-girdle muscular dystrophy type 2C. Last evaluated: 2022-06-16. Review status: criteria provided, single submitter. Criteria: ACMG Guidelines, 2015. Collection method: clinical testing. Allele origin: germline.

Fulgent Genetics
Classification: Uncertain significance for Autosomal recessive limb-girdle muscular dystrophy type 2C. Last evaluated: 2021-10-29. Review status: criteria provided, single submitter. Criteria: ACMG Guidelines, 2015. Collection method: clinical testing. Allele origin: unknown.

Genome-Nilou Lab
Classification: Uncertain significance for Autosomal recessive limb-girdle muscular dystrophy type 2C. Last evaluated: 2021-07-22. Review status: criteria provided, single submitter. Criteria: ACMG Guidelines, 2015. Collection method: clinical testing. Allele origin: germline. Affected: no.

Athena Diagnostics
Classification: Uncertain significance. Last evaluated: 2018-06-22. Review status: criteria provided, single submitter. Criteria: Athena Diagnostics Criteria. Collection method: clinical testing. Allele origin: germline.

Genomic Research Center, Shahid Beheshti University of Medical Sciences
Classification: Uncertain significance for Autosomal recessive limb-girdle muscular dystrophy type 2C. Last evaluated: 2018-03-05. Review status: criteria provided, single submitter. Criteria: ACMG Guidelines, 2015. Collection method: clinical testing. Allele origin: inherited. Affected: yes. Observed: 1 variant allele.

Illumina Laboratory Services, Illumina
Classification: Uncertain significance for Sarcoglycanopathy. Last evaluated: 2018-01-12. Review status: criteria provided, single submitter. Criteria: ICSL Variant Classification Criteria 13 December 2019. Collection method: clinical testing. Allele origin: germline.

Natera, Inc.
Classification: Uncertain significance for Limb-girdle muscular dystrophy type 2C. Last evaluated: 2020-02-20. Review status: no assertion criteria provided. Collection method: clinical testing. Allele origin: germline. Not counted in ClinVar's aggregate classification.

NM_000231.3(SGCG):c.653T>C (p.Ile218Thr)

Gene: SGCG (sarcoglycan gamma; plus strand). Cytogenetic location: 13q12.12.
Variant type: single nucleotide variant.
Coding change: c.653T>C on transcript NM_000231.3 (MANE Select); coding-DNA position 653, T replaced by C.
Protein change: p.Ile218Thr; replaces isoleucine 218 with threonine.
Molecular consequence: missense variant.
Genome position (GRCh38, 1-based): chr13:23,320,711, T>C. VCF-style: chr13-23320711-T-C. GRCh37 (hg19) VCF-style: chr13-23894850-T-C.
Other names: c.707T>C, p.Ile236Thr (NM_001378244.1); c.653T>C, p.Ile218Thr (NM_001378245.1, NM_001378246.1); short protein forms I218T, I236T.
Identifiers: ClinVar variation 548510 (VCV000548510.22), dbSNP rs202045534, ClinGen allele CA6909806.